The following is an entry in ClinVar:

ClinVar aggregate classification (germline): Likely benign (0 of 4 stars; one submission).

Conditions:
NRP1-related disorder. Also called: NRP1-related condition.

gnomAD v4.1: 84 of 1,614,042 alleles (0.0052%); highest among the groups gnomAD compares: Non-Finnish European, 0.0071%; no homozygotes.

Submission:

PreventionGenetics, part of Exact Sciences
Classification: Likely benign for NRP1-related condition. Last evaluated: 2024-03-27. Review status: no assertion criteria provided. Collection method: clinical testing. Allele origin: germline.
Comment: This variant is classified as likely benign based on ACMG/AMP sequence variant interpretation guidelines (Richards et al. 2015 PMID: 25741868, with internal and published modifications).

NM_003873.7(NRP1):c.1362C>T (p.Asp454=)

Gene: NRP1 (neuropilin 1; minus strand). Cytogenetic location: 10p11.22.
Variant type: single nucleotide variant.
Coding change: c.1362C>T on transcript NM_003873.7 (MANE Select); coding-DNA position 1362, C replaced by T.
Protein change: p.Asp454=; no amino-acid change (aspartic acid 454 retained).
Molecular consequence: synonymous variant. On other transcripts: non-coding transcript variant (1).
Genome position (GRCh38, 1-based): chr10:33,213,638, G>A on the plus strand (C>T on the coding strand, the complement: NRP1 is on the minus strand). VCF-style: chr10-33213638-G-A. GRCh37 (hg19) VCF-style: chr10-33502566-G-A.
Other names: c.1362C>T, p.Asp454= (NM_001024628.3, NM_001024629.3, NM_001244972.2 and 2 more transcripts).
Identifiers: ClinVar variation 3350678 (VCV003350678.1).
Genomic context (GRCh38, chr10:33,213,638, plus strand): 5'-TGGAAGTGCCCAGCCAGAGCGACTGGTTACCAGGCGGATGTTTTCAGGCATCCAGTTTCT[G>A]TCCCCTTGGTTGGATGATGTGATCTGGGAGTCAGAAATAAGTCCAGACACCATACCCAAC-3'
Protein context (NP_003864.5, residues 444-464): DSQITSSNQG[Asp454=]RNWMPENIRL